The following is an entry in ClinVar:

NM_006494.4(ERF):c.1046C>T (p.Pro349Leu)

Gene: ERF (ETS2 repressor factor; minus strand). Cytogenetic location: 19q13.2.
Variant type: single nucleotide variant.
Coding change: c.1046C>T on transcript NM_006494.4 (MANE Select); coding-DNA position 1046, C replaced by T.
Protein change: p.Pro349Leu; replaces proline 349 with leucine.
Molecular consequence: missense variant.
Genome position (GRCh38, 1-based): chr19:42,249,066, G>A on the plus strand (C>T on the coding strand, the complement: ERF is on the minus strand). VCF-style: chr19-42249066-G-A. GRCh37 (hg19) VCF-style: chr19-42753218-G-A.
Other names: c.821C>T, p.Pro274Leu (NM_001301035.2, NM_001308402.2, NM_001312656.2); c.1046C>T (NM_006494.2); short protein forms P349L, P274L.
Identifiers: ClinVar variation 701836 (VCV000701836.13), dbSNP rs144812092, ClinGen allele CA9471274.

ClinVar aggregate classification (germline): Benign/Likely benign. Review status: criteria provided, multiple submitters, no conflicts (2 of 4 stars). 4 submissions from 4 submitters: Benign (1); Likely benign (3). Last evaluated 2026-07-01.

Conditions:
Inborn genetic diseases. Identifiers: MedGen C0950123, MeSH D030342.
TWIST1-related craniosynostosis (CRS1). Also called: CRANIOSYNOSTOSIS 1. Identifiers: Orphanet 63440, MedGen C4551902, MONDO:0007399, OMIM 123100. Inheritance: Heterogenous inheritance pattern.

Allele frequency attached by ClinVar (database versions not stated): 1000 Genomes Project 0.00040; 1000 Genomes Project 30x 0.00047; ExAC 0.00054; gnomAD 0.00058; gnomAD exomes 0.00066 and 0.00093; TOPMed 0.00075; ESP Exome Variant Server 0.00101.

Submissions (4):

CeGaT Center for Human Genetics Tuebingen
Classification: Likely benign. Last evaluated: 2026-07-01. Review status: criteria provided, single submitter. Criteria: CeGaT Center For Human Genetics Tuebingen Variant Classification Criteria Version 2. Collection method: clinical testing. Allele origin: germline. Affected: yes. Observed: 1 variant allele.
Comment: ERF: BS1

Labcorp Genetics (formerly Invitae), Labcorp
Classification: Benign for TWIST1-related craniosynostosis. Last evaluated: 2025-10-01. Review status: criteria provided, single submitter. Criteria: Invitae Variant Classification Sherloc (09022015). Collection method: clinical testing. Allele origin: germline.

Blueprint Genetics
Classification: Likely benign. Last evaluated: 2024-11-26. Review status: criteria provided, single submitter. Criteria: ACMG Guidelines, 2015. Collection method: clinical testing. Allele origin: germline.

Ambry Genetics
Classification: Likely benign for Inborn genetic diseases. Last evaluated: 2021-12-20. Review status: criteria provided, single submitter. Criteria: Ambry Variant Classification Scheme 2023. Collection method: clinical testing. Allele origin: germline.